The following is an entry in ClinVar:

NM_174936.4(PCSK9):c.503C>G (p.Ala168Gly)

Gene: PCSK9 (proprotein convertase subtilisin/kexin type 9; plus strand). Cytogenetic location: 1p32.3.
Variant type: single nucleotide variant.
Coding change: c.503C>G on transcript NM_174936.4 (MANE Select); coding-DNA position 503, C replaced by G.
Protein change: p.Ala168Gly; replaces alanine 168 with glycine.
Molecular consequence: missense variant.
Genome position (GRCh38, 1-based): chr1:55,046,626, C>G. VCF-style: chr1-55046626-C-G. GRCh37 (hg19) VCF-style: chr1-55512299-C-G.
Other names: short protein forms A168G.
Identifiers: ClinVar variation 924266 (VCV000924266.4), dbSNP rs770592607, ClinGen allele CA340484832.

ClinVar aggregate classification (germline): Uncertain significance. Review status: criteria provided, multiple submitters, no conflicts (2 of 4 stars). 2 submissions from 2 submitters: Uncertain significance (2). Last evaluated 2024-09-23.

Conditions:
Familial hypercholesterolemia. Also called: Familial hypercholesterolemias; Familial hypercholesterolaemia. Identifiers: MedGen C0020445, MONDO:0005439.
Hypercholesterolemia, autosomal dominant, 3 (FHCL3). Also called: Familial hypercholesterolemia 3; Familial Hypercholesterolemia, Autosomal Dominant, 3; PCSK9-Related Familial Hypercholesterolemia, Autosomal Dominant. Identifiers: MedGen C1863551, MONDO:0011369, OMIM 603776.

Submissions (2):

All of Us Research Program, National Institutes of Health
Classification: Uncertain significance for Hypercholesterolemia, autosomal dominant, 3. Last evaluated: 2024-09-23. Review status: criteria provided, single submitter. Criteria: ACMG Guidelines, 2015. Collection method: clinical testing. Allele origin: germline. Inheritance: Autosomal dominant inheritance. Observed: 1 variant allele, 1 heterozygote.
Comment: This missense variant replaces alanine with glycine at codon 168 of the PCSK9 protein. Computational prediction suggests that this variant may not impact protein structure and function (internally defined REVEL score threshold <= 0.5, PMID: 27666373). Splice site prediction tools suggest that this variant may not impact RNA splicing. To our knowledge, functional studies have not been performed for this variant. This variant has not been reported in individuals affected with familial hypercholesterolemia in the literature. This variant has not been identified in the general population by the Genome Aggregation Database (gnomAD). The available evidence is insufficient to determine the role of this variant in disease conclusively. Therefore, this variant is classified as a Variant of Uncertain Significance.

This study involves interpretation of variants in research participants for the purpose of population health screening. Participant phenotype was not available at the time of variant classification. Additional details can be found in publication PMID: 35346344, PMCID: PMC8962531

Color Diagnostics, LLC DBA Color Health
Classification: Uncertain significance for Familial hypercholesterolemia. Last evaluated: 2019-12-16. Review status: criteria provided, single submitter. Criteria: ACMG Guidelines, 2015. Collection method: clinical testing. Allele origin: germline.
Comment: This missense variant replaces alanine with glycine at codon 168 of the PCSK9 protein. Computational prediction suggests that this variant may not impact protein structure and function (internally defined REVEL score threshold <= 0.5, PMID: 27666373). Splice site prediction tools suggest that this variant may not impact RNA splicing. To our knowledge, functional studies have not been performed for this variant. This variant has not been reported in individuals affected with familial hypercholesterolemia in the literature. This variant has not been identified in the general population by the Genome Aggregation Database (gnomAD). The available evidence is insufficient to determine the role of this variant in disease conclusively. Therefore, this variant is classified as a Variant of Uncertain Significance.